The following is an entry in ClinVar:

ClinVar aggregate classification (germline): Uncertain significance (1 of 4 stars; one submission).

Conditions:
Fanconi anemia (FA). Also called: Fanconi's anemia. Identifiers: Orphanet 84, MedGen C0015625, MeSH D005199, MONDO:0019391.

Allele frequency attached by ClinVar (database versions not stated): gnomAD exomes below 0.00001.
gnomAD v4.1: 1 of 1,614,174 alleles (0.000062%); highest among the groups gnomAD compares: South Asian, 0.0011%; no homozygotes.

Submission:

Labcorp Genetics (formerly Invitae), Labcorp
Classification: Uncertain significance for Fanconi anemia. Last evaluated: 2021-09-01. Review status: criteria provided, single submitter. Criteria: Invitae Variant Classification Sherloc (09022015). Collection method: clinical testing. Allele origin: germline.
Comment: This sequence change replaces alanine with threonine at codon 1228 of the FANCA protein (p.Ala1228Thr). The alanine residue is highly conserved and there is a small physicochemical difference between alanine and threonine. This variant is not present in population databases (ExAC no frequency). This variant has not been reported in the literature in individuals affected with FANCA-related conditions. Algorithms developed to predict the effect of missense changes on protein structure and function are either unavailable or do not agree on the potential impact of this missense change (SIFT: "Deleterious"; PolyPhen-2: "Possibly Damaging"; Align-GVGD: "Class C0"). In summary, the available evidence is currently insufficient to determine the role of this variant in disease. Therefore, it has been classified as a Variant of Uncertain Significance.

NM_000135.4(FANCA):c.3682G>A (p.Ala1228Thr)

Gene: FANCA (FA complementation group A; minus strand). Cytogenetic location: 16q24.3.
Variant type: single nucleotide variant.
Coding change: c.3682G>A on transcript NM_000135.4 (MANE Select); coding-DNA position 3682, G replaced by A.
Protein change: p.Ala1228Thr; replaces alanine 1228 with threonine.
Molecular consequence: missense variant.
Genome position (GRCh38, 1-based): chr16:89,742,883, C>T on the plus strand (G>A on the coding strand, the complement: FANCA is on the minus strand). VCF-style: chr16-89742883-C-T. GRCh37 (hg19) VCF-style: chr16-89809291-C-T.
Other names: c.3682G>A, p.Ala1228Thr (NM_001286167.3); short protein forms A1228T.
Identifiers: ClinVar variation 951788 (VCV000951788.7), dbSNP rs2062171185, ClinGen allele CA397485446.
Genomic context (GRCh38, chr16:89,742,883, plus strand): 5'-TCTTTAGCTGCTTCCTGATGTTTTCTTCCCTGACTTGTTGAATCGCAAAGTGCAGTGCAG[C>T]AGCTGAGAGCCAGTCCGGGTTGGGTGCTGGGGAGGCAGCCTCAGGGGAGAGGAAACTGGG-3'
Protein context (NP_000126.2, residues 1218-1238): PAPNPDWLSA[Ala1228Thr]ALHFAIQQVR